The following is an entry in ClinVar:

NM_005732.4(RAD50):c.2815A>G (p.Ile939Val)

Gene: RAD50 (RAD50 double strand break repair protein; plus strand). Cytogenetic location: 5q31.1.
Variant type: single nucleotide variant.
Coding change: c.2815A>G on transcript NM_005732.4 (MANE Select); coding-DNA position 2815, A replaced by G.
Protein change: p.Ile939Val; replaces isoleucine 939 with valine.
Molecular consequence: missense variant.
Genome position (GRCh38, 1-based): chr5:132,608,711, A>G. VCF-style: chr5-132608711-A-G. GRCh37 (hg19) VCF-style: chr5-131944403-A-G.
Other names: short protein forms I939V.
Identifiers: ClinVar variation 1796372 (VCV001796372.2), dbSNP rs2149849462, ClinGen allele CA360959175.
Genomic context (GRCh38, chr5:132,608,711, plus strand): 5'-TTGGAAAAGTTCCAGCAAGAAAAAGAAGAATTAATCAACAAAAAAAATACAAGCAACAAA[A>G]TAGCACAGGATAAAGTAAGATTTCATTTATATATTTACTTATCAAATATCTGTATTAAAC-3'
Protein context (NP_005723.2, residues 929-949): LINKKNTSNK[Ile939Val]AQDKLNDIKE

ClinVar aggregate classification (germline): Uncertain significance (1 of 4 stars; one submission).

Conditions:
Hereditary cancer-predisposing syndrome. Also called: Tumor predisposition; Hereditary Cancer Syndrome; Neoplastic Syndromes, Hereditary; Hereditary neoplastic syndrome. Identifiers: Orphanet 140162, MedGen C0027672, MeSH D009386, MONDO:0015356.

Submission:

Ambry Genetics
Classification: Uncertain significance for Hereditary cancer-predisposing syndrome. Last evaluated: 2022-09-25. Review status: criteria provided, single submitter. Criteria: Ambry Variant Classification Scheme 2023. Collection method: clinical testing. Allele origin: germline.
Comment: The p.I939V variant (also known as c.2815A>G), located in coding exon 17 of the RAD50 gene, results from an A to G substitution at nucleotide position 2815. The isoleucine at codon 939 is replaced by valine, an amino acid with highly similar properties. This amino acid position is conserved. In addition, this alteration is predicted to be tolerated by in silico analysis. Since supporting evidence is limited at this time, the clinical significance of this alteration remains unclear.